The following is an entry in ClinVar:

NM_001292063.2(OTOG):c.2294-6C>T

Gene: OTOG (otogelin; plus strand). Cytogenetic location: 11p15.1.
Variant type: single nucleotide variant.
Coding change: c.2294-6C>T on transcript NM_001292063.2 (MANE Select); 6 bases into the intron before coding-DNA position 2294, C replaced by T.
Molecular consequence: intron variant.
Genome position (GRCh38, 1-based): chr11:17,574,714, C>T. VCF-style: chr11-17574714-C-T. GRCh37 (hg19) VCF-style: chr11-17596261-C-T.
Other names: c.2330-6C>T (NM_001277269.2).
Identifiers: ClinVar variation 227767 (VCV000227767.12), dbSNP rs201721923, ClinGen allele CA5905609.
Genomic context (GRCh38, chr11:17,574,714, plus strand): 5'-AGCCCCACTCCACATAACTGTGGGGATGAGGGAGACAAAGCATGCACCACTCCCCCCTCA[C>T]TGCAGCACTGTCCTGTGAGGCCTCCAAGGAGTATAGCCCCTGCGTGGCCCCGTGTGGACG-3'

ClinVar aggregate classification (germline): Conflicting classifications of pathogenicity. Review status: criteria provided, conflicting classifications (1 of 4 stars). 4 submissions from 4 submitters: Uncertain significance (1); Likely benign (2). 1 of the submissions does not count toward it. Last evaluated 2024-10-23.

Conditions:
OTOG-related disorder. Also called: OTOG-related condition.

Allele frequency attached by ClinVar (database versions not stated): gnomAD exomes 0.00012 and 0.00028; TOPMed 0.00013; gnomAD 0.00015 and 0.00016; ExAC 0.00040.
gnomAD v4.1: 444 of 1,549,820 alleles (0.029%); highest among the groups gnomAD compares: South Asian, 0.035%; no homozygotes.

Submissions (4):

Blueprint Genetics
Classification: Likely benign. Last evaluated: 2024-10-23. Review status: criteria provided, single submitter. Criteria: ACMG Guidelines, 2015. Collection method: clinical testing. Allele origin: germline.

Labcorp Genetics (formerly Invitae), Labcorp
Classification: Uncertain significance. Last evaluated: 2023-08-10. Review status: criteria provided, single submitter. Criteria: Invitae Variant Classification Sherloc (09022015). Collection method: clinical testing. Allele origin: germline.
Comment: This sequence change falls in intron 18 of the OTOG gene. It does not directly change the encoded amino acid sequence of the OTOG protein. This variant is present in population databases (rs201721923, gnomAD 0.03%). In summary, the available evidence is currently insufficient to determine the role of this variant in disease. Therefore, it has been classified as a Variant of Uncertain Significance. Algorithms developed to predict the effect of sequence changes on RNA splicing suggest that this variant may disrupt the consensus splice site. ClinVar contains an entry for this variant (Variation ID: 227767). This variant has not been reported in the literature in individuals affected with OTOG-related conditions.

Laboratory for Molecular Medicine, Mass General Brigham Personalized Medicine
Classification: Likely benign. Last evaluated: 2017-12-05. Review status: criteria provided, single submitter. Criteria: LMM Criteria. Collection method: clinical testing. Allele origin: germline. Observed: 2 variant alleles.
Comment: c.2330-6C>T in intron 18 of OTOG: This variant is not expected to have clinical significance because a C>T change at this position does not diverge from the spl ice consensus sequence and is therefore unlikely to impact splicing. It has been identified in 7/22462 South Asian chromosomes and 12/66244 European chromosomes by the Genome Aggregation Database (gnomAD; d bSNP rs201721923).

PreventionGenetics, part of Exact Sciences
Classification: Likely benign for OTOG-related condition. Last evaluated: 2019-03-04. Review status: no assertion criteria provided. Collection method: clinical testing. Allele origin: germline. Not counted in ClinVar's aggregate classification.
Comment: This variant is classified as likely benign based on ACMG/AMP sequence variant interpretation guidelines (Richards et al. 2015 PMID: 25741868, with internal and published modifications).